The following is an entry in ClinVar:

NM_015267.4(CUX2):c.2653C>T (p.Pro885Ser)

Gene: CUX2 (cut like homeobox 2; plus strand). Cytogenetic location: 12q24.12.
Variant type: single nucleotide variant.
Coding change: c.2653C>T on transcript NM_015267.4 (MANE Select); coding-DNA position 2653, C replaced by T.
Protein change: p.Pro885Ser; replaces proline 885 with serine.
Molecular consequence: missense variant.
Genome position (GRCh38, 1-based): chr12:111,320,662, C>T. VCF-style: chr12-111320662-C-T. GRCh37 (hg19) VCF-style: chr12-111758466-C-T.
Other names: c.2467C>T, p.Pro823Ser (NM_001370598.1); short protein forms P823S, P885S.
Identifiers: ClinVar variation 4885748 (VCV004885748.2).
Genomic context (GRCh38, chr12:111,320,662, plus strand): 5'-CTGCCCTACTACCCGGCCTACGTGCCGCGCACCCTGAAGCCCACCGTGCCGCCGCTGACC[C>T]CCGAGCAGTACGAGCTGTACATGTACCGTGAGGTAGACACGCTGGAGCTCACCCGCCAGG-3'
Protein context (NP_056082.2, residues 875-895): TLKPTVPPLT[Pro885Ser]EQYELYMYRE

ClinVar aggregate classification (germline): Uncertain significance (1 of 4 stars; one submission).

Submission:

Dasa
Classification: Uncertain significance. Last evaluated: 2024-10-21. Review status: criteria provided, single submitter. Criteria: DASA Assertion Criteria. Collection method: clinical testing. Allele origin: germline.
Comment: NM_015267.4(CUX2):c.2653C>T (p.Pro885Ser) is a missense variant that results in the substitution of proline with serine. This variant is absent from population databases. Computational prediction algorithms are consistent with a benign effect. The currently available literature and clinical evidence are not sufficient to establish a definitive association between this variant and the reported condition. Therefore, this variant is classified as a variant of uncertain significance.